The following is an entry in ClinVar:

NM_198578.4(LRRK2):c.4852T>C (p.Cys1618Arg)

Gene: LRRK2 (leucine rich repeat kinase 2; plus strand). Cytogenetic location: 12q12.
Variant type: single nucleotide variant.
Coding change: c.4852T>C on transcript NM_198578.4 (MANE Select); coding-DNA position 4852, T replaced by C.
Protein change: p.Cys1618Arg; replaces cysteine 1618 with arginine.
Molecular consequence: missense variant.
Genome position (GRCh38, 1-based): chr12:40,320,012, T>C. VCF-style: chr12-40320012-T-C. GRCh37 (hg19) VCF-style: chr12-40713814-T-C.
Other names: short protein forms C1618R.
Identifiers: ClinVar variation 1743585 (VCV001743585.3), dbSNP rs772429087, ClinGen allele CA6514304.
Genomic context (GRCh38, chr12:40,320,012, plus strand): 5'-AAATTTTAGTGATTATTTATGACTCGAATCTTTCAGATTTTGACAGTGAAAGTGGAAGGT[T>C]GTCCAAAACACCCTAAGGGCATTATTTCGCGTAGAGATGTGGAAAAATTTCTTTCAAAAA-3'
Protein context (NP_940980.4, residues 1608-1628): AQILTVKVEG[Cys1618Arg]PKHPKGIISR

ClinVar aggregate classification (germline): Uncertain significance (1 of 4 stars; one submission).

Conditions:
Inborn genetic diseases. Identifiers: MedGen C0950123, MeSH D030342.

Allele frequency attached by ClinVar (database versions not stated): gnomAD exomes below 0.00001; ExAC 0.00001; TOPMed 0.00001.
gnomAD v4.1: 1 of 1,610,232 alleles (0.000062%); highest among the groups gnomAD compares: East Asian, 0.0022%; no homozygotes.

Submission:

Ambry Genetics
Classification: Uncertain significance for Inborn genetic diseases. Last evaluated: 2024-11-05. Review status: criteria provided, single submitter. Criteria: Ambry Variant Classification Scheme 2023. Collection method: clinical testing. Allele origin: germline.
Comment: The p.C1618R variant (also known as c.4852T>C), located in coding exon 34 of the LRRK2 gene, results from a T to C substitution at nucleotide position 4852. The cysteine at codon 1618 is replaced by arginine, an amino acid with highly dissimilar properties. This amino acid position is conserved. In addition, this alteration is predicted to be tolerated by in silico analysis. Since supporting evidence is limited at this time, the clinical significance of this alteration remains unclear.